The following is an entry in ClinVar:

NM_000520.6(HEXA):c.307G>A (p.Gly103Arg)

Gene: HEXA (hexosaminidase subunit alpha; minus strand). Cytogenetic location: 15q23.
Variant type: single nucleotide variant.
Coding change: c.307G>A on transcript NM_000520.6 (MANE Select); coding-DNA position 307, G replaced by A.
Protein change: p.Gly103Arg; replaces glycine 103 with arginine.
Molecular consequence: missense variant. On other transcripts: non-coding transcript variant (1).
Genome position (GRCh38, 1-based): chr15:72,356,564, C>T on the plus strand (G>A on the coding strand, the complement: HEXA is on the minus strand). VCF-style: chr15-72356564-C-T. GRCh37 (hg19) VCF-style: chr15-72648905-C-T.
Other names: c.307G>A (NM_000520.5); c.340G>A, p.Gly114Arg (NM_001318825.2); short protein forms G114R, G103R.
Identifiers: ClinVar variation 2100883 (VCV002100883.5), dbSNP rs2542540097, ClinGen allele CA393067347.

ClinVar aggregate classification (germline): Uncertain significance. Review status: criteria provided, single submitter (1 of 4 stars). 2 submissions from 2 submitters: Uncertain significance (1). 1 of the submissions does not count toward it. Last evaluated 2022-10-18.

Conditions:
Tay-Sachs disease (TSD). Also called: HEXA DEFICIENCY; GM2 gangliosidosis, type 1; HEXA Disorders; Hexosaminidase alpha-subunit deficiency (variant B); Sphingolipidosis, Tay-Sachs; Hexosaminidase A Deficiency. Identifiers: Orphanet 845, MedGen C0039373, MONDO:0010100, OMIM 272800.

Submissions (2):

Labcorp Genetics (formerly Invitae), Labcorp
Classification: Uncertain significance for Tay-Sachs disease. Last evaluated: 2022-10-18. Review status: criteria provided, single submitter. Criteria: Invitae Variant Classification Sherloc (09022015). Collection method: clinical testing. Allele origin: germline.
Comment: Algorithms developed to predict the effect of sequence changes on RNA splicing suggest that this variant may disrupt the consensus splice site. In summary, the available evidence is currently insufficient to determine the role of this variant in disease. Therefore, it has been classified as a Variant of Uncertain Significance. Advanced modeling of protein sequence and biophysical properties (such as structural, functional, and spatial information, amino acid conservation, physicochemical variation, residue mobility, and thermodynamic stability) has been performed at Invitae for this missense variant, however the output from this modeling did not meet the statistical confidence thresholds required to predict the impact of this variant on HEXA protein function. This variant has not been reported in the literature in individuals affected with HEXA-related conditions. This variant is not present in population databases (gnomAD no frequency). This sequence change replaces glycine, which is neutral and non-polar, with arginine, which is basic and polar, at codon 103 of the HEXA protein (p.Gly103Arg).

Natera, Inc.
Classification: Uncertain significance for Tay-Sachs disease. Last evaluated: 2025-02-09. Review status: no assertion criteria provided. Collection method: clinical testing. Allele origin: germline. Not counted in ClinVar's aggregate classification.